The following is an entry in ClinVar:

NM_020812.4(DOCK6):c.2505C>T (p.Tyr835=)

Gene: DOCK6 (dedicator of cytokinesis 6; minus strand). Cytogenetic location: 19p13.2.
Variant type: single nucleotide variant.
Coding change: c.2505C>T on transcript NM_020812.4 (MANE Select); coding-DNA position 2505, C replaced by T.
Protein change: p.Tyr835=; no amino-acid change (tyrosine 835 retained).
Molecular consequence: synonymous variant.
Genome position (GRCh38, 1-based): chr19:11,235,647, G>A on the plus strand (C>T on the coding strand, the complement: DOCK6 is on the minus strand). VCF-style: chr19-11235647-G-A. GRCh37 (hg19) VCF-style: chr19-11346323-G-A.
Other names: c.2505C>T, p.Tyr835= (NM_001367830.1).
Identifiers: ClinVar variation 737455 (VCV000737455.13), dbSNP rs200378092, ClinGen allele CA9207608.
Genomic context (GRCh38, chr19:11,235,647, plus strand): 5'-TACAAACTCACCATCCGGGAGGCTGGGCTCAGTGCCAGGAAGGCGAAAGGCGTAGTGGAC[G>A]TAGGCAGCCAGCTGTGGGCAGTGACCGCGGGCATCCTGGGCTGCCTCCAGGCTCCGGTGA-3'
Protein context (NP_065863.2, residues 825-845): ARGHCPQLAA[Tyr835=]VHYAFRLPGT

ClinVar aggregate classification (germline): Likely benign. Review status: criteria provided, multiple submitters, no conflicts (2 of 4 stars). 3 submissions from 3 submitters: Likely benign (2). 1 of the submissions does not count toward it. Last evaluated 2025-12-15.

Conditions:
DOCK6-related disorder. Also called: DOCK6-related condition.
Adams-Oliver syndrome 2 (AOS2). Identifiers: Orphanet 974, MedGen C3280182, MONDO:0013635, OMIM 614219.

Allele frequency attached by ClinVar (database versions not stated): 1000 Genomes Project 30x 0.00016; 1000 Genomes Project 0.00020; TOPMed 0.00042; ESP Exome Variant Server 0.00079.
gnomAD v4.1: 1,161 of 1,603,396 alleles (0.072%); highest among the groups gnomAD compares: Non-Finnish European, 0.093%; 1 homozygote.

Submissions (3):

Labcorp Genetics (formerly Invitae), Labcorp
Classification: Likely benign. Last evaluated: 2025-12-15. Review status: criteria provided, single submitter. Criteria: Invitae Variant Classification Sherloc (09022015). Collection method: clinical testing. Allele origin: germline.

Fulgent Genetics
Classification: Likely benign for Adams-Oliver syndrome 2. Last evaluated: 2021-10-05. Review status: criteria provided, single submitter. Criteria: ACMG Guidelines, 2015. Collection method: clinical testing. Allele origin: unknown.

PreventionGenetics, part of Exact Sciences
Classification: Likely benign for DOCK6-related condition. Last evaluated: 2020-07-31. Review status: no assertion criteria provided. Collection method: clinical testing. Allele origin: germline. Not counted in ClinVar's aggregate classification.
Comment: This variant is classified as likely benign based on ACMG/AMP sequence variant interpretation guidelines (Richards et al. 2015 PMID: 25741868, with internal and published modifications).